The following is an entry in ClinVar:

ClinVar aggregate classification (germline): Uncertain significance (1 of 4 stars; one submission).

Conditions:
Microcephaly, seizures, and developmental delay. Identifiers: Orphanet 1934, MedGen C3150667, MONDO:0013254, OMIM 613402.

Submission:

Broad Center for Mendelian Genomics, Broad Institute of MIT and Harvard
Classification: Uncertain significance for Microcephaly, seizures, and developmental delay. Last evaluated: 2018-12-03. Review status: criteria provided, single submitter. Criteria: ACMG Guidelines, 2015. Collection method: research. Allele origin: germline. Inheritance: Autosomal recessive inheritance. Affected: yes.
Comment: The p.Lys378Thr variant in PNKP has not been previously reported in individuals with microcephaly, seizures, and developmental delay but was absent from large population studies. Computational prediction tools and conservation analyses suggest that this variant may impact the protein, though this information is not predictive enough to determine pathogenicity. In summary, the clinical significance of the p.Lys378Thr variant is uncertain. ACMG/AMP Criteria applied: PM2, PP3 (Richards 2015).

NM_007254.4(PNKP):c.1133A>C (p.Lys378Thr)

Gene: PNKP (polynucleotide kinase 3'-phosphatase; minus strand). Cytogenetic location: 19q13.33.
Variant type: single nucleotide variant.
Coding change: c.1133A>C on transcript NM_007254.4 (MANE Select); coding-DNA position 1133, A replaced by C.
Protein change: p.Lys378Thr; replaces lysine 378 with threonine.
Molecular consequence: missense variant.
Genome position (GRCh38, 1-based): chr19:49,862,099, T>G on the plus strand (A>C on the coding strand, the complement: PNKP is on the minus strand). VCF-style: chr19-49862099-T-G. GRCh37 (hg19) VCF-style: chr19-50365356-T-G.
Other names: short protein forms K378T.
Identifiers: ClinVar variation 813902 (VCV000813902.1), dbSNP rs1600416892, ClinGen allele CA406879158.